The following is an entry in ClinVar:

NM_004336.5(BUB1):c.2000C>T (p.Ser667Leu)

Gene: BUB1 (BUB1 mitotic checkpoint serine/threonine kinase; minus strand). Cytogenetic location: 2q13.
Variant type: single nucleotide variant.
Coding change: c.2000C>T on transcript NM_004336.5 (MANE Select); coding-DNA position 2000, C replaced by T.
Protein change: p.Ser667Leu; replaces serine 667 with leucine.
Molecular consequence: missense variant.
Genome position (GRCh38, 1-based): chr2:110,650,749, G>A on the plus strand (C>T on the coding strand, the complement: BUB1 is on the minus strand). VCF-style: chr2-110650749-G-A. GRCh37 (hg19) VCF-style: chr2-111408326-G-A.
Other names: c.1940C>T, p.Ser647Leu (NM_001278616.2); c.2000C>T, p.Ser667Leu (NM_001278617.2); short protein forms S647L, S667L.
Identifiers: ClinVar variation 1784233 (VCV001784233.2), dbSNP rs975621280, ClinGen allele CA53526915.

ClinVar aggregate classification (germline): Uncertain significance (1 of 4 stars; one submission).

Allele frequency attached by ClinVar (database versions not stated): gnomAD exomes below 0.00001.
gnomAD v4.1: 7 of 1,613,862 alleles (0.00043%); highest among the groups gnomAD compares: African/African-American, 0.0053%; no homozygotes.

Submission:

Ambry Genetics
Classification: Uncertain significance. Last evaluated: 2022-01-27. Review status: criteria provided, single submitter. Criteria: Ambry Variant Classification Scheme 2023. Collection method: clinical testing. Allele origin: germline.
Comment: The p.S667L variant (also known as c.2000C>T), located in coding exon 18 of the BUB1 gene, results from a C to T substitution at nucleotide position 2000. The serine at codon 667 is replaced by leucine, an amino acid with dissimilar properties. This amino acid position is conserved. In addition, this alteration is predicted to be tolerated by in silico analysis. Since supporting evidence is limited at this time, the clinical significance of this alteration remains unclear.